The following is an entry in ClinVar:

ClinVar aggregate classification (germline): Uncertain significance (1 of 4 stars; one submission).

Conditions:
Familial thoracic aortic aneurysm and aortic dissection (TAAD). Also called: Thoracic aortic aneurysms and dissections. Identifiers: Orphanet 91387, MedGen C4707243, MONDO:0019625.

Submission:

Ambry Genetics
Classification: Uncertain significance for Familial thoracic aortic aneurysm and aortic dissection. Last evaluated: 2025-06-18. Review status: criteria provided, single submitter. Criteria: Ambry Variant Classification Scheme 2023. Collection method: clinical testing. Allele origin: germline.
Comment: The p.T368I variant (also known as c.1103C>T), located in coding exon 7 of the COL5A1 gene, results from a C to T substitution at nucleotide position 1103. The threonine at codon 368 is replaced by isoleucine, an amino acid with similar properties. This amino acid position is not well conserved in available vertebrate species. In addition, this alteration is predicted to be tolerated by in silico analysis. Based on the available evidence, the clinical significance of this variant remains unclear.

NM_000093.5(COL5A1):c.1103C>T (p.Thr368Ile)

Gene: COL5A1 (collagen type V alpha 1 chain; plus strand). Cytogenetic location: 9q34.3.
Variant type: single nucleotide variant.
Coding change: c.1103C>T on transcript NM_000093.5 (MANE Select); coding-DNA position 1103, C replaced by T.
Protein change: p.Thr368Ile; replaces threonine 368 with isoleucine.
Molecular consequence: missense variant.
Genome position (GRCh38, 1-based): chr9:134,730,414, C>T. VCF-style: chr9-134730414-C-T. GRCh37 (hg19) VCF-style: chr9-137622260-C-T.
Other names: c.1103C>T, p.Thr368Ile (NM_001278074.1); short protein forms T368I.
Identifiers: ClinVar variation 4232330 (VCV004232330.1).
Genomic context (GRCh38, chr9:134,730,414, plus strand): 5'-CGCCCTCACCGTATGATGACCTCACCTATGGCGAGGGGGAGGAGAACCCCGACCAGCCCA[C>T]AGACCCAGGCGCTGGGGCCGAAATTCCCACCAGCACCGCCGACACCTCCAACTCCTCCAA-3'
Protein context (NP_000084.3, residues 358-378): GEGEENPDQP[Thr368Ile]DPGAGAEIPT